The following is an entry in ClinVar:

NM_000218.3(KCNQ1):c.1393+27377_1393+27378dup

Genes: KCNQ1 (potassium voltage-gated channel subfamily Q member 1; plus strand), KCNQ1OT1 (KCNQ1 opposite strand/antisense transcript 1; minus strand). Cytogenetic location: 11p15.5.
Variant type: Duplication.
Coding change: c.1393+27377_1393+27378dup on transcript NM_000218.3 (MANE Select); bases 27377 to 27378 of the intron after coding-DNA position 1393, 2 bases duplicated (TT; older notation c.1393+27377_1393+27378dupTT).
Molecular consequence: intron variant. On other transcripts: non-coding transcript variant (1).
Genome position (GRCh38, 1-based): chr11:2,616,231-2,616,232, TT duplicated; duplicating any 2 consecutive bases within chr11:2,616,224-2,616,232 gives the same sequence; the c. name uses the placement nearest the transcript's 3' end. VCF-style (leftmost placement, unchanged base first): chr11-2616223-G-GTT. GRCh37 (hg19) VCF-style: chr11-2637453-G-GTT.
Other names: c.1123+27377_1123+27378dup (NM_001406837.1); c.1297+27377_1297+27378dup (NM_001406836.1); c.853+27377_853+27378dup (NM_001406838.1); c.1012+27377_1012+27378dup (NM_181798.2).
Identifiers: ClinVar variation 3389306 (VCV003389306.14).

ClinVar aggregate classification (germline): Likely benign (1 of 4 stars; one submission).

Submission:

CeGaT Center for Human Genetics Tuebingen
Classification: Likely benign. Last evaluated: 2024-09-01. Review status: criteria provided, single submitter. Criteria: CeGaT Center For Human Genetics Tuebingen Variant Classification Criteria Version 2. Collection method: clinical testing. Allele origin: germline. Affected: yes. Observed: 1 variant allele.
Comment: KCNQ1OT1: BS2